The following is an entry in ClinVar:

ClinVar aggregate classification (germline): Uncertain significance. Review status: criteria provided, multiple submitters, no conflicts (2 of 4 stars). 2 submissions from 2 submitters: Uncertain significance (2). Last evaluated 2025-06-11.

Conditions:
Hereditary cancer-predisposing syndrome. Also called: Hereditary neoplastic syndrome; Tumor predisposition; Hereditary Cancer Syndrome; Neoplastic Syndromes, Hereditary. Identifiers: Orphanet 140162, MedGen C0027672, MeSH D009386, MONDO:0015356.
Hereditary nonpolyposis colorectal neoplasms. Identifiers: MedGen C0009405, MeSH D003123.

gnomAD v4.1: 1 of 1,614,234 alleles (0.000062%); no homozygotes.

Submissions (2):

Color Diagnostics, LLC DBA Color Health
Classification: Uncertain significance for Hereditary cancer-predisposing syndrome. Last evaluated: 2025-06-11. Review status: criteria provided, single submitter. Criteria: ACMG Guidelines, 2015. Collection method: clinical testing. Allele origin: germline.
Comment: This missense variant replaces glutamic acid with lysine at codon 101 of the MSH6 protein. Computational prediction suggests that this variant may not impact protein structure and function. To our knowledge, functional studies have not been reported for this variant. This variant has not been reported in individuals affected with MSH6-related disorders in the literature. This variant has not been identified in the general population by the Genome Aggregation Database (gnomAD). The available evidence is insufficient to determine the role of this variant in disease conclusively. Therefore, this variant is classified as a Variant of Uncertain Significance.

Labcorp Genetics (formerly Invitae), Labcorp
Classification: Uncertain significance for Hereditary nonpolyposis colorectal neoplasms. Last evaluated: 2022-10-14. Review status: criteria provided, single submitter. Criteria: Invitae Variant Classification Sherloc (09022015). Collection method: clinical testing. Allele origin: germline.
Comment: This sequence change replaces glutamic acid, which is acidic and polar, with lysine, which is basic and polar, at codon 101 of the MSH6 protein (p.Glu101Lys). This variant is not present in population databases (gnomAD no frequency). This variant has not been reported in the literature in individuals affected with MSH6-related conditions. Advanced modeling of protein sequence and biophysical properties (such as structural, functional, and spatial information, amino acid conservation, physicochemical variation, residue mobility, and thermodynamic stability) performed at Invitae indicates that this missense variant is not expected to disrupt MSH6 protein function. In summary, the available evidence is currently insufficient to determine the role of this variant in disease. Therefore, it has been classified as a Variant of Uncertain Significance.

NM_000179.3(MSH6):c.301G>A (p.Glu101Lys)

Gene: MSH6 (mutS homolog 6; plus strand). Cytogenetic location: 2p16.3.
Variant type: single nucleotide variant.
Coding change: c.301G>A on transcript NM_000179.3 (MANE Select); coding-DNA position 301, G replaced by A.
Protein change: p.Glu101Lys; replaces glutamic acid 101 with lysine.
Molecular consequence: missense variant. On other transcripts: 5 prime UTR variant (2), intron variant (1).
Genome position (GRCh38, 1-based): chr2:47,790,967, G>A. VCF-style: chr2-47790967-G-A. GRCh37 (hg19) VCF-style: chr2-48018106-G-A.
Other names: c.-436G>A (NM_001281493.2, NM_001406811.1, NM_001406823.1 and 1 more transcripts); c.-602G>A (NM_001281494.2); c.397G>A, p.Glu133Lys (NM_001406795.1, NM_001406802.1); c.301G>A, p.Glu101Lys (NM_001406796.1, NM_001406798.1, NM_001406800.1 and 6 more transcripts); c.4G>A, p.Glu2Lys (NM_001406797.1, NM_001406801.1, NM_001406805.1 and 10 more transcripts); c.223G>A, p.Glu75Lys (NM_001406804.1); c.-628G>A (NM_001406807.1); c.-283G>A (NM_001406812.1); and 3 more; short protein forms E2K, E101K, E45K, E133K, E75K.
Identifiers: ClinVar variation 1956204 (VCV001956204.3), dbSNP rs2104100845, ClinGen allele CA346736738.
Genomic context (GRCh38, chr2:47,790,967, plus strand): 5'-GTATTTCCTTTTGGCAACAGTTGTGACTTCTCACCAGGAGATTTGGTTTGGGCCAAGATG[G>A]AGGGTTACCCCTGGTGGCCTTGTCTGGTTTACAACCACCCCTTTGATGGAACATTCATCC-3'
Protein context (NP_000170.1, residues 91-111): SPGDLVWAKM[Glu101Lys]GYPWWPCLVY